The following is an entry in ClinVar:

ClinVar aggregate classification (germline): Uncertain significance (1 of 4 stars; one submission).

Allele frequency attached by ClinVar (database versions not stated): gnomAD exomes 0.00001.
gnomAD v4.1: 10 of 1,613,868 alleles (0.00062%); highest among the groups gnomAD compares: African/African-American, 0.004%; no homozygotes.

Submission:

Labcorp Genetics (formerly Invitae), Labcorp
Classification: Uncertain significance. Last evaluated: 2025-09-02. Review status: criteria provided, single submitter. Criteria: Invitae Variant Classification Sherloc (09022015). Collection method: clinical testing. Allele origin: germline.
Comment: This sequence change falls in intron 19 of the MYH3 gene. It does not directly change the encoded amino acid sequence of the MYH3 protein. This variant is present in population databases (rs374461545, gnomAD 0.01%). This variant has not been reported in the literature in individuals affected with MYH3-related conditions. ClinVar contains an entry for this variant (Variation ID: 2723052). Algorithms developed to predict the effect of sequence changes on RNA splicing suggest that this variant may disrupt the consensus splice site. In summary, the available evidence is currently insufficient to determine the role of this variant in disease. Therefore, it has been classified as a Variant of Uncertain Significance.

NM_002470.4(MYH3):c.2166-6A>G

Gene: MYH3 (myosin heavy chain 3; minus strand). Cytogenetic location: 17p13.1.
Variant type: single nucleotide variant.
Coding change: c.2166-6A>G on transcript NM_002470.4 (MANE Select); 6 bases into the intron before coding-DNA position 2166, A replaced by G.
Molecular consequence: intron variant.
Genome position (GRCh38, 1-based): chr17:10,640,692, T>C on the plus strand (A>G on the coding strand, the complement: MYH3 is on the minus strand). VCF-style: chr17-10640692-T-C. GRCh37 (hg19) VCF-style: chr17-10544009-T-C.
Identifiers: ClinVar variation 2723052 (VCV002723052.3), dbSNP rs374461545, ClinGen allele CA8392812.